The following is an entry in ClinVar:

NM_000051.4(ATM):c.9164G>C (p.Trp3055Ser)

Genes: ATM (ATM serine/threonine kinase; plus strand), C11orf65 (chromosome 11 open reading frame 65; minus strand). Cytogenetic location: 11q22.3.
Variant type: single nucleotide variant.
Coding change: c.9164G>C on transcript NM_000051.4 (MANE Select); coding-DNA position 9164, G replaced by C.
Protein change: p.Trp3055Ser; replaces tryptophan 3055 with serine.
Molecular consequence: missense variant. On other transcripts: intron variant (2).
Genome position (GRCh38, 1-based): chr11:108,365,501, G>C. VCF-style: chr11-108365501-G-C. GRCh37 (hg19) VCF-style: chr11-108236228-G-C.
Other names: c.9164G>C, p.Trp3055Ser (NM_001351834.2); c.640+20419C>G (NM_001330368.2); c.694+20419C>G (NM_001351110.2); short protein forms W3055S.
Identifiers: ClinVar variation 1312556 (VCV001312556.11), dbSNP rs2137930567, ClinGen allele CA382532194.
Genomic context (GRCh38, chr11:108,365,501, plus strand): 5'-TCATACAGCAGGCCATAGACCCCAAAAATCTCAGCCGACTTTTCCCAGGATGGAAAGCTT[G>C]GGTGTGATCTTCAGTATATGAATTACCCTTTCATTCAGCCTTTAGAAATTATATTTTAGC-3'
Protein context (NP_000042.3, residues 3045-3056): LSRLFPGWKA[Trp3055Ser]V

ClinVar aggregate classification (germline): Uncertain significance. Review status: criteria provided, multiple submitters, no conflicts (2 of 4 stars). 4 submissions from 4 submitters: Uncertain significance (4). Last evaluated 2023-12-20.

Conditions:
Ataxia-telangiectasia syndrome (AT). Also called: Ataxia-telangiectasia; LOUIS-BAR SYNDROME; Ataxia-telangiectasia, complementation group D; AT, COMPLEMENTATION GROUP C; ATAXIA-TELANGIECTASIA, COMPLEMENTATION GROUP A; ATAXIA-TELANGIECTASIA, FRESNO VARIANT. Identifiers: Orphanet 100, MedGen C0004135, MONDO:0008840, OMIM 208900.
Hereditary cancer-predisposing syndrome. Also called: Tumor predisposition; Neoplastic Syndromes, Hereditary; Hereditary Cancer Syndrome; Hereditary neoplastic syndrome. Identifiers: Orphanet 140162, MedGen C0027672, MeSH D009386, MONDO:0015356.

Submissions (4):

Ambry Genetics
Classification: Uncertain significance for Hereditary cancer-predisposing syndrome. Last evaluated: 2023-12-20. Review status: criteria provided, single submitter. Criteria: Ambry Variant Classification Scheme 2023. Collection method: clinical testing. Allele origin: germline.
Comment: The p.W3055S variant (also known as c.9164G>C), located in coding exon 62 of the ATM gene, results from a G to C substitution at nucleotide position 9164. The tryptophan at codon 3055 is replaced by serine, an amino acid with highly dissimilar properties. This amino acid position is highly conserved in available vertebrate species. In addition, this alteration is predicted to be deleterious by in silico analysis. Since supporting evidence is limited at this time, the clinical significance of this alteration remains unclear.

Labcorp Genetics (formerly Invitae), Labcorp
Classification: Uncertain significance for Ataxia-telangiectasia syndrome. Last evaluated: 2022-07-12. Review status: criteria provided, single submitter. Criteria: Invitae Variant Classification Sherloc (09022015). Collection method: clinical testing. Allele origin: germline.
Comment: This sequence change replaces tryptophan, which is neutral and slightly polar, with serine, which is neutral and polar, at codon 3055 of the ATM protein (p.Trp3055Ser). This variant is not present in population databases (gnomAD no frequency). This variant has not been reported in the literature in individuals affected with ATM-related conditions. ClinVar contains an entry for this variant (Variation ID: 1312556). Advanced modeling of protein sequence and biophysical properties (such as structural, functional, and spatial information, amino acid conservation, physicochemical variation, residue mobility, and thermodynamic stability) performed at Invitae indicates that this missense variant is expected to disrupt ATM protein function. In summary, the available evidence is currently insufficient to determine the role of this variant in disease. Therefore, it has been classified as a Variant of Uncertain Significance.

Mendelics
Classification: Uncertain significance. Last evaluated: 2022-05-04. Review status: criteria provided, single submitter. Criteria: Mendelics Assertion Criteria 2019. Collection method: clinical testing. Allele origin: germline.

GeneDx
Classification: Uncertain significance. Last evaluated: 2020-03-04. Review status: criteria provided, single submitter. Criteria: GeneDx Variant Classification Process June 2021. Collection method: clinical testing. Allele origin: germline. Affected: yes.
Comment: Not observed in large population cohorts (Lek 2016); In silico analysis supports that this missense variant has a deleterious effect on protein structure/function; Has not been previously published as pathogenic or benign to our knowledge